The following is an entry in ClinVar:

NM_002516.4(NOVA2):c.710T>C (p.Val237Ala)

Gene: NOVA2 (NOVA alternative splicing regulator 2; minus strand). Cytogenetic location: 19q13.32.
Variant type: single nucleotide variant.
Coding change: c.710T>C on transcript NM_002516.4 (MANE Select); coding-DNA position 710, T replaced by C.
Protein change: p.Val237Ala; replaces valine 237 with alanine.
Molecular consequence: missense variant.
Genome position (GRCh38, 1-based): chr19:45,940,632, A>G on the plus strand (T>C on the coding strand, the complement: NOVA2 is on the minus strand). VCF-style: chr19-45940632-A-G. GRCh37 (hg19) VCF-style: chr19-46443890-A-G.
Other names: short protein forms V237A.
Identifiers: ClinVar variation 2630704 (VCV002630704.1), dbSNP rs2513852680, ClinGen allele CA406435447.

ClinVar aggregate classification (germline): Uncertain significance (1 of 4 stars; one submission).

Conditions:
NOVA2-related disorder. Also called: NOVA2-related condition.

Allele frequency attached by ClinVar (database versions not stated): gnomAD exomes below 0.00001.
gnomAD v4.1: 1 of 1,484,292 alleles (0.000067%); highest among the groups gnomAD compares: Non-Finnish European, 0.000089%; no homozygotes.

Submission:

PreventionGenetics, part of Exact Sciences
Classification: Uncertain significance for NOVA2-related condition. Last evaluated: 2023-09-17. Review status: criteria provided, single submitter. Criteria: ACMG Guidelines, 2015. Collection method: clinical testing. Allele origin: germline.
Comment: The NOVA2 c.710T>C variant is predicted to result in the amino acid substitution p.Val237Ala. To our knowledge, this variant has not been reported in the literature or in a large population database, indicating this variant is rare. At this time, the clinical significance of this variant is uncertain due to the absence of conclusive functional and genetic evidence.